The following is an entry in ClinVar:

ClinVar aggregate classification (germline): Uncertain significance. Review status: criteria provided, multiple submitters, no conflicts (2 of 4 stars). 2 submissions from 2 submitters: Uncertain significance (2). Last evaluated 2025-05-30.

Conditions:
RYR1-related disorder. Also called: RYR1-related condition; RYR1-related disorders. Identifiers: MedGen CN239331.

gnomAD v4.1: 1 of 1,613,884 alleles (0.000062%); highest among the groups gnomAD compares: Admixed American, 0.0017%; no homozygotes.

Submissions (2):

GeneDx
Classification: Uncertain significance. Last evaluated: 2025-05-30. Review status: criteria provided, single submitter. Criteria: GeneDx Variant Classification Process June 2021. Collection method: clinical testing. Allele origin: germline. Affected: yes.
Comment: Not observed at significant frequency in large population cohorts (gnomAD); In silico analysis supports that this missense variant has a deleterious effect on protein structure/function; Has not been previously published as pathogenic or benign to our knowledge

Labcorp Genetics (formerly Invitae), Labcorp
Classification: Uncertain significance for RYR1-related disorder. Last evaluated: 2024-11-11. Review status: criteria provided, single submitter. Criteria: Invitae Variant Classification Sherloc (09022015). Collection method: clinical testing. Allele origin: germline.
Comment: This sequence change replaces glutamic acid, which is acidic and polar, with glycine, which is neutral and non-polar, at codon 569 of the RYR1 protein (p.Glu569Gly). This variant is present in population databases (no rsID available, gnomAD 0.003%). This variant has not been reported in the literature in individuals affected with RYR1-related conditions. Invitae Evidence Modeling of protein sequence and biophysical properties (such as structural, functional, and spatial information, amino acid conservation, physicochemical variation, residue mobility, and thermodynamic stability) indicates that this missense variant is expected to disrupt RYR1 protein function with a positive predictive value of 95%. In summary, the available evidence is currently insufficient to determine the role of this variant in disease. Therefore, it has been classified as a Variant of Uncertain Significance.

NM_000540.3(RYR1):c.1706A>G (p.Glu569Gly)

Gene: RYR1 (ryanodine receptor 1; plus strand). Cytogenetic location: 19q13.2.
Variant type: single nucleotide variant.
Coding change: c.1706A>G on transcript NM_000540.3 (MANE Select); coding-DNA position 1706, A replaced by G.
Protein change: p.Glu569Gly; replaces glutamic acid 569 with glycine.
Molecular consequence: missense variant.
Genome position (GRCh38, 1-based): chr19:38,455,666, A>G. VCF-style: chr19-38455666-A-G. GRCh37 (hg19) VCF-style: chr19-38946306-A-G.
Other names: c.1706A>G, p.Glu569Gly (NM_001042723.2); short protein forms E569G.
Identifiers: ClinVar variation 3622516 (VCV003622516.3).